The following is an entry in ClinVar:

ClinVar aggregate classification (germline): Likely benign (1 of 4 stars; one submission).

Allele frequency attached by ClinVar (database versions not stated): gnomAD exomes 0.00016; ExAC 0.00050; 1000 Genomes Project 0.00080; 1000 Genomes Project 30x 0.00094; gnomAD 0.00167; ESP Exome Variant Server 0.00177; TOPMed 0.00210.
gnomAD v4.1: 490 of 1,609,954 alleles (0.03%); highest among the groups gnomAD compares: African/African-American, 0.57%; 3 homozygotes.

Submission:

CeGaT Center for Human Genetics Tuebingen
Classification: Likely benign. Last evaluated: 2022-05-01. Review status: criteria provided, single submitter. Criteria: CeGaT Center For Human Genetics Tuebingen Variant Classification Criteria Version 2. Collection method: clinical testing. Allele origin: germline. Affected: yes. Observed: 1 variant allele.
Comment: CSMD2: BP4, BP7

NM_001281956.2(CSMD2):c.2502C>T (p.Phe834=)

Gene: CSMD2 (CUB and Sushi multiple domains 2; minus strand). Cytogenetic location: 1p35.1.
Variant type: single nucleotide variant.
Coding change: c.2502C>T on transcript NM_001281956.2 (MANE Select); coding-DNA position 2502, C replaced by T.
Protein change: p.Phe834=; no amino-acid change (phenylalanine 834 retained).
Molecular consequence: synonymous variant.
Genome position (GRCh38, 1-based): chr1:33,726,552, G>A on the plus strand (C>T on the coding strand, the complement: CSMD2 is on the minus strand). VCF-style: chr1-33726552-G-A. GRCh37 (hg19) VCF-style: chr1-34192153-G-A.
Other names: c.2382C>T, p.Phe794= (NM_052896.5).
Identifiers: ClinVar variation 2638635 (VCV002638635.24), dbSNP rs143617019, ClinGen allele CA752797.
Genomic context (GRCh38, chr1:33,726,552, plus strand): 5'-GGCTCTGTAAAAATCTCCCCCTTGCCCTCTCCCCCAAGGCTGTGGTCACAAGCACCTGTC[G>A]AAGGTGATTTTGATGGGGTAGCCTGGCTGGGCCTCAATCACCCAGGCACAGCTCAAGGCA-3'
Protein context (NP_001268885.1, residues 824-844): AQPGYPIKIT[Phe834=]DRFKTEVNYD